The following is an entry in ClinVar:

NM_033004.4(NLRP1):c.2974A>G (p.Met992Val)

Gene: NLRP1 (NLR family pyrin domain containing 1; minus strand). Cytogenetic location: 17p13.2.
Variant type: single nucleotide variant.
Coding change: c.2974A>G on transcript NM_033004.4 (MANE Select); coding-DNA position 2974, A replaced by G.
Protein change: p.Met992Val; replaces methionine 992 with valine.
Molecular consequence: missense variant.
Genome position (GRCh38, 1-based): chr17:5,533,975, T>C on the plus strand (A>G on the coding strand, the complement: NLRP1 is on the minus strand). VCF-style: chr17-5533975-T-C. GRCh37 (hg19) VCF-style: chr17-5437295-T-C.
Other names: c.2974A>G, p.Met992Val (NM_001033053.3, NM_014922.5); c.2884A>G, p.Met962Val (NM_033006.4, NM_033007.4); short protein forms M962V, M992V.
Identifiers: ClinVar variation 1922167 (VCV001922167.5), dbSNP rs200746858, ClinGen allele CA8326973.
Genomic context (GRCh38, chr17:5,533,975, plus strand): 5'-GCTTGAGTGAGGATGTGCTATTACTCATCTCTCCCGTATCCAGGCCCTCAGTAGGGGTCA[T>C]CACACTTGGTTTCCTGGACAAAGAATTGTTCATTCTGCCTAAGATCTTGGAGGAAGCGAG-3'
Protein context (NP_127497.1, residues 982-1002): LIFSRRKPSV[Met992Val]TPTEGLDTGE

ClinVar aggregate classification (germline): Uncertain significance. Review status: criteria provided, multiple submitters, no conflicts (2 of 4 stars). 2 submissions from 2 submitters: Uncertain significance (2). Last evaluated 2024-05-15.

Conditions:
Inborn genetic diseases. Identifiers: MedGen C0950123, MeSH D030342.

Allele frequency attached by ClinVar (database versions not stated): ExAC 0.00001; gnomAD 0.00001; TOPMed 0.00003; gnomAD exomes 0.00009; 1000 Genomes Project 0.00020; 1000 Genomes Project 30x 0.00031.
gnomAD v4.1: 130 of 1,610,604 alleles (0.0081%); highest among the groups gnomAD compares: Non-Finnish European, 0.011%; no homozygotes.

Submissions (2):

Ambry Genetics
Classification: Uncertain significance for Inborn genetic diseases. Last evaluated: 2024-05-15. Review status: criteria provided, single submitter. Criteria: Ambry Variant Classification Scheme 2023. Collection method: clinical testing. Allele origin: germline.

Labcorp Genetics (formerly Invitae), Labcorp
Classification: Uncertain significance. Last evaluated: 2024-05-12. Review status: criteria provided, single submitter. Criteria: Invitae Variant Classification Sherloc (09022015). Collection method: clinical testing. Allele origin: germline.
Comment: This sequence change replaces methionine, which is neutral and non-polar, with valine, which is neutral and non-polar, at codon 992 of the NLRP1 protein (p.Met992Val). This variant is present in population databases (rs200746858, gnomAD 0.0009%). This variant has not been reported in the literature in individuals affected with NLRP1-related conditions. ClinVar contains an entry for this variant (Variation ID: 1922167). An algorithm developed to predict the effect of missense changes on protein structure and function (PolyPhen-2) suggests that this variant¬†is likely to be tolerated. In summary, the available evidence is currently insufficient to determine the role of this variant in disease. Therefore, it has been classified as a Variant of Uncertain Significance.